The following is an entry in ClinVar:

ClinVar aggregate classification (germline): Conflicting classifications of pathogenicity. Review status: criteria provided, conflicting classifications (1 of 4 stars). 4 submissions from 4 submitters: Uncertain significance (3); Likely benign (1). Last evaluated 2026-01-19.

Conditions:
Arthrogryposis multiplex congenita 6. Identifiers: MedGen C5543431, MONDO:0030281, OMIM 619334.
Nemaline myopathy 2 (NEM2). Also called: Nemaline myopathy 2, autosomal recessive. Identifiers: MedGen C1850569, MONDO:0009725, OMIM 256030.
Inborn genetic diseases. Identifiers: MedGen C0950123, MeSH D030342.

Allele frequency attached by ClinVar (database versions not stated): gnomAD exomes 0.00001; TOPMed 0.00001; 1000 Genomes Project 30x 0.00016; 1000 Genomes Project 0.00020; ExAC 0.00001; gnomAD 0.00001.
gnomAD v4.1: 20 of 1,613,070 alleles (0.0012%); highest among the groups gnomAD compares: East Asian, 0.016%; no homozygotes.

Submissions (4):

Labcorp Genetics (formerly Invitae), Labcorp
Classification: Likely benign for Nemaline myopathy 2. Last evaluated: 2026-01-19. Review status: criteria provided, single submitter. Criteria: Invitae Variant Classification Sherloc (09022015). Collection method: clinical testing. Allele origin: germline.

Ambry Genetics
Classification: Uncertain significance for Inborn genetic diseases. Last evaluated: 2024-09-09. Review status: criteria provided, single submitter. Criteria: Ambry Variant Classification Scheme 2023. Collection method: clinical testing. Allele origin: germline.

GeneDx
Classification: Uncertain significance. Last evaluated: 2024-03-26. Review status: criteria provided, single submitter. Criteria: GeneDx Variant Classification Process June 2021. Collection method: clinical testing. Allele origin: germline. Affected: yes.
Comment: Not observed at significant frequency in large population cohorts (gnomAD); In silico analysis supports that this missense variant does not alter protein structure/function; Has not been previously published as pathogenic or benign to our knowledge

Department of Pathology and Laboratory Medicine, Sinai Health System
Classification: Uncertain significance for Nemaline myopathy 2; Arthrogryposis multiplex congenita 6. Last evaluated: 2020-06-09. Review status: criteria provided, single submitter. Criteria: ACMG Guidelines, 2015. Collection method: research. Allele origin: germline.

NM_001164508.2(NEB):c.17833G>A (p.Val5945Ile)

Gene: NEB (nebulin; minus strand). Cytogenetic location: 2q23.3.
Variant type: single nucleotide variant.
Coding change: c.17833G>A on transcript NM_001164508.2 (MANE Select); coding-DNA position 17833, G replaced by A.
Protein change: p.Val5945Ile; replaces valine 5945 with isoleucine.
Molecular consequence: missense variant.
Genome position (GRCh38, 1-based): chr2:151,568,082, C>T on the plus strand (G>A on the coding strand, the complement: NEB is on the minus strand). VCF-style: chr2-151568082-C-T. GRCh37 (hg19) VCF-style: chr2-152424596-C-T.
Other names: c.12730G>A (NM_004543.4); c.17833G>A, p.Val5945Ile (NM_001164507.2, NM_001271208.2); c.12730G>A, p.Val4244Ile (NM_004543.5); short protein forms V4244I, V5945I.
Identifiers: ClinVar variation 2195155 (VCV002195155.7), dbSNP rs79562044, ClinGen allele CA1908097.